The following is an entry in ClinVar:

ClinVar aggregate classification (germline): Uncertain significance (1 of 4 stars; one submission).

Conditions:
Heterotaxy, visceral, 5, autosomal (HTX5). Also called: Heterotaxy, visceral, 5. Identifiers: Orphanet 450, MedGen C3495537, MONDO:0700112, OMIM 270100.

gnomAD v4.1: 18 of 1,614,028 alleles (0.0011%); highest among the groups gnomAD compares: Non-Finnish European, 0.0014%; no homozygotes.

Submission:

Labcorp Genetics (formerly Invitae), Labcorp
Classification: Uncertain significance for Heterotaxy, visceral, 5, autosomal. Last evaluated: 2025-03-18. Review status: criteria provided, single submitter. Criteria: Invitae Variant Classification Sherloc (09022015). Collection method: clinical testing. Allele origin: germline.
Comment: This sequence change replaces arginine, which is basic and polar, with histidine, which is basic and polar, at codon 302 of the NODAL protein (p.Arg302His). This variant is present in population databases (rs750214155, gnomAD 0.003%). This variant has not been reported in the literature in individuals affected with NODAL-related conditions. Invitae Evidence Modeling of protein sequence and biophysical properties (such as structural, functional, and spatial information, amino acid conservation, physicochemical variation, residue mobility, and thermodynamic stability) indicates that this missense variant is not expected to disrupt NODAL protein function with a negative predictive value of 80%. In summary, the available evidence is currently insufficient to determine the role of this variant in disease. Therefore, it has been classified as a Variant of Uncertain Significance.

NM_018055.5(NODAL):c.905G>A (p.Arg302His)

Gene: NODAL (nodal growth differentiation factor; minus strand). Cytogenetic location: 10q22.1.
Variant type: single nucleotide variant.
Coding change: c.905G>A on transcript NM_018055.5 (MANE Select); coding-DNA position 905, G replaced by A.
Protein change: p.Arg302His; replaces arginine 302 with histidine.
Molecular consequence: missense variant.
Genome position (GRCh38, 1-based): chr10:70,433,075, C>T on the plus strand (G>A on the coding strand, the complement: NODAL is on the minus strand). VCF-style: chr10-70433075-C-T. GRCh37 (hg19) VCF-style: chr10-72192831-C-T.
Other names: c.506G>A, p.Arg169His (NM_001329906.2); short protein forms R169H, R302H.
Identifiers: ClinVar variation 4744785 (VCV004744785.1).